The following is an entry in ClinVar:

ClinVar aggregate classification (germline): Likely pathogenic (1 of 4 stars; one submission).

Conditions:
Hearing loss, autosomal dominant 82. Also called: Deafness, autosomal dominant 82. Identifiers: MedGen C5676948, MONDO:0030719, OMIM 619804.

Submission:

3billion
Classification: Likely pathogenic for Hearing loss, autosomal dominant 82. Last evaluated: 2025-03-14. Review status: criteria provided, single submitter. Criteria: ACMG Guidelines, 2015. Collection method: clinical testing. Allele origin: germline. Affected: yes.
Comment: The variant is not observed in the gnomAD v4.1.0 dataset.Predicted Consequence/Location: Frameshift: predicted to result in a loss or disruption of normal protein function through nonsense-mediated decay (NMD) or protein truncation. Multiple pathogenic variants are reported downstream of the variant. Therefore, this variant is classified as Likely pathogenic according to the recommendation of ACMG/AMP guideline.

NM_001001331.4(ATP2B2):c.361del (p.Leu121fs)

Gene: ATP2B2 (ATPase plasma membrane Ca2+ transporting 2; minus strand). Cytogenetic location: 3p25.3.
Variant type: Deletion.
Coding change: c.361del on transcript NM_001001331.4 (MANE Select); coding-DNA position 361, one base deleted (C; older notation c.361delC).
Protein change: p.Leu121fs; shifts the reading frame from leucine 121.
Molecular consequence: frameshift variant.
Genome position (GRCh38, 1-based): chr3:10,410,654, G deleted on the plus strand (C on the coding strand, the reverse complement: ATP2B2 is on the minus strand). VCF-style (leftmost placement, unchanged base first): chr3-10410653-AG-A. GRCh37 (hg19) VCF-style: chr3-10452337-AG-A.
Other names: c.361del, p.Leu121fs (NM_001330611.3, NM_001353564.1, NM_001363862.1 and 3 more transcripts); short protein forms L121fs.
Identifiers: ClinVar variation 4291897 (VCV004291897.1).